The following is an entry in ClinVar:

ClinVar aggregate classification (germline): Likely benign (1 of 4 stars; one submission).

Conditions:
PADI6-related disorder. Also called: PADI6-related condition.

gnomAD v4.1: 291 of 1,613,750 alleles (0.018%); highest among the groups gnomAD compares: African/African-American, 0.3%; 2 homozygotes.

Submission:

PreventionGenetics, part of Exact Sciences
Classification: Likely benign for PADI6-related condition. Last evaluated: 2025-02-05. Review status: criteria provided, single submitter. Criteria: ACMG Guidelines, 2015. Collection method: clinical testing. Allele origin: germline.
Comment: This variant is classified as likely benign based on ACMG/AMP sequence variant interpretation guidelines (Richards et al. 2015 PMID: 25741868, with internal and published modifications).

NM_207421.4(PADI6):c.1683C>T (p.Tyr561=)

Gene: PADI6 (peptidyl arginine deiminase 6; plus strand). Cytogenetic location: 1p36.13.
Variant type: single nucleotide variant.
Coding change: c.1683C>T on transcript NM_207421.4 (MANE Select); coding-DNA position 1683, C replaced by T.
Protein change: p.Tyr561=; no amino-acid change (tyrosine 561 retained).
Molecular consequence: synonymous variant.
Genome position (GRCh38, 1-based): chr1:17,397,135, C>T. VCF-style: chr1-17397135-C-T. GRCh37 (hg19) VCF-style: chr1-17723631-C-T.
Identifiers: ClinVar variation 4985378 (VCV004985378.1).